The following is an entry in ClinVar:

NM_001042492.3(NF1):c.6905A>G (p.Gln2302Arg)

Gene: NF1 (neurofibromin 1; plus strand). Cytogenetic location: 17q11.2.
Variant type: single nucleotide variant.
Coding change: c.6905A>G on transcript NM_001042492.3 (MANE Select); coding-DNA position 6905, A replaced by G.
Protein change: p.Gln2302Arg; replaces glutamine 2302 with arginine.
Molecular consequence: missense variant.
Genome position (GRCh38, 1-based): chr17:31,338,789, A>G. VCF-style: chr17-31338789-A-G. GRCh37 (hg19) VCF-style: chr17-29665807-A-G.
Other names: c.6842A>G, p.Gln2281Arg (NM_000267.4); short protein forms Q2281R, Q2302R.
Identifiers: ClinVar variation 2447118 (VCV002447118.2), dbSNP rs2508763152, ClinGen allele CA399014423.

ClinVar aggregate classification (germline): Uncertain significance (1 of 4 stars; one submission).

Conditions:
Cardiovascular phenotype. Identifiers: MedGen CN230736.
Hereditary cancer-predisposing syndrome. Also called: Neoplastic Syndromes, Hereditary; Hereditary Cancer Syndrome; Tumor predisposition; Hereditary neoplastic syndrome. Identifiers: Orphanet 140162, MedGen C0027672, MeSH D009386, MONDO:0015356.

Allele frequency attached by ClinVar (database versions not stated): gnomAD exomes below 0.00001.
gnomAD v4.1: 1 of 1,609,368 alleles (0.000062%); highest among the groups gnomAD compares: Non-Finnish European, 0.000085%; no homozygotes.

Submission:

Ambry Genetics
Classification: Uncertain significance for Cardiovascular phenotype; Hereditary cancer-predisposing syndrome. Last evaluated: 2022-11-26. Review status: criteria provided, single submitter. Criteria: Ambry Variant Classification Scheme 2023. Collection method: clinical testing. Allele origin: germline.
Comment: The p.Q2281R variant (also known as c.6842A>G), located in coding exon 45 of the NF1 gene, results from an A to G substitution at nucleotide position 6842. The glutamine at codon 2281 is replaced by arginine, an amino acid with highly similar properties. This amino acid position is conserved. In addition, the in silico prediction for this alteration is inconclusive. Since supporting evidence is limited at this time, the clinical significance of this alteration remains unclear.